The following is an entry in ClinVar:

ClinVar aggregate classification (germline): Uncertain significance (1 of 4 stars; one submission).

Allele frequency attached by ClinVar (database versions not stated): gnomAD exomes below 0.00001.
gnomAD v4.1: 2 of 1,211,429 alleles (0.00017%); highest among the groups gnomAD compares: Non-Finnish European, 0.00022%; no homozygotes.

Submission:

CeGaT Center for Human Genetics Tuebingen
Classification: Uncertain significance. Last evaluated: 2022-12-01. Review status: criteria provided, single submitter. Criteria: CeGaT Center For Human Genetics Tuebingen Variant Classification Criteria Version 2. Collection method: clinical testing. Allele origin: germline. Affected: yes. Observed: 1 variant allele.
Comment: NOX1: PM2, BP4

NM_007052.5(NOX1):c.672-5T>G

Gene: NOX1 (NADPH oxidase 1; minus strand). Cytogenetic location: Xq22.1.
Variant type: single nucleotide variant.
Coding change: c.672-5T>G on transcript NM_007052.5 (MANE Select); 5 bases into the intron before coding-DNA position 672, T replaced by G.
Molecular consequence: intron variant.
Genome position (GRCh38, 1-based): chrX:100,862,308, A>C on the plus strand (T>G on the coding strand, the complement: NOX1 is on the minus strand). VCF-style: chrX-100862308-A-C. GRCh37 (hg19) VCF-style: chrX-100117297-A-C.
Other names: c.561-5T>G (NM_001271815.2); c.672-5T>G (NM_013955.3).
Identifiers: ClinVar variation 2661044 (VCV002661044.24), dbSNP rs2521760026, ClinGen allele CA2694276248.